The following is an entry in ClinVar:

ClinVar aggregate classification (germline): Benign. Review status: criteria provided, multiple submitters, no conflicts (2 of 4 stars). 11 submissions from 11 submitters: Benign (9). 2 of the submissions do not count toward it. Last evaluated 2026-02-04.

Conditions:
Nemaline myopathy 2 (NEM2). Also called: Nemaline myopathy 2, autosomal recessive. Identifiers: MedGen C1850569, MONDO:0009725, OMIM 256030.

Allele frequency attached by ClinVar (database versions not stated): ESP Exome Variant Server 0.00042; gnomAD 0.00646; TOPMed 0.00649; gnomAD exomes 0.00892; 1000 Genomes Project 30x 0.01843; 1000 Genomes Project 0.02017.
gnomAD v4.1: 5,093 of 1,612,288 alleles (0.32%); highest among the groups gnomAD compares: East Asian, 6.7%; 129 homozygotes.

Submissions (12):

Labcorp Genetics (formerly Invitae), Labcorp
Classification: Benign for Nemaline myopathy 2. Last evaluated: 2026-02-04. Review status: criteria provided, single submitter. Criteria: Invitae Variant Classification Sherloc (09022015). Collection method: clinical testing. Allele origin: germline.

Athena Diagnostics
Classification: Benign. Last evaluated: 2025-05-09. Review status: criteria provided, single submitter. Criteria: Athena Diagnostics Criteria. Collection method: clinical testing. Allele origin: unknown.
Comment: The frequency of this variant in the general population is higher than would generally be expected for pathogenic variants in this gene.

Mayo Clinic Laboratories, Mayo Clinic
Classification: Benign. Last evaluated: 2022-11-29. Review status: criteria provided, single submitter. Criteria: ACMG Guidelines, 2015. Collection method: clinical testing. Allele origin: germline. Observed: 4 variant alleles.

Illumina Laboratory Services, Illumina
Classification: Benign for Nemaline myopathy 2. Last evaluated: 2018-01-13. Review status: criteria provided, single submitter. Criteria: ICSL Variant Classification Criteria 13 December 2019. Collection method: clinical testing. Allele origin: germline.
Comment: This variant was observed in the ICSL laboratory as part of a predisposition screen in an ostensibly healthy population. It had not been previously curated by ICSL or reported in the Human Gene Mutation Database (HGMD: prior to June 1st, 2018), and was therefore a candidate for classification through an automated scoring system. Utilizing variant allele frequency, disease prevalence and penetrance estimates, and inheritance mode, an automated score was calculated to assess if this variant is too frequent to cause the disease. Based on the score and internal cut-off values, a variant classified as benign is not then subjected to further curation. The score for this variant resulted in a classification of benign for this disease.

Women's Health and Genetics/Laboratory Corporation of America, LabCorp
Classification: Benign. Last evaluated: 2017-04-24. Review status: criteria provided, single submitter. Criteria: LabCorp Variant Classification Summary - May 2015. Collection method: clinical testing. Allele origin: germline.
Comment: Variant summary: The NEB c.8189A>G (p.Asp2730Gly) variant involves the alteration of a conserved nucleotide, resulting in a missense substitution in a nebulin repeat domain (InterPro). 3/4 in silico tools predict a damaging outcome for this variant (SNPs&GO not captured due to low reliability index). 4/5 splice prediction tools predict creation of a de novo splice donor site and ESE finder predicts that this variant may introduce an SRp40 ESE site. However, these predictions have yet to be confirmed by functional studies. This variant was found in large control database ExAC in 970 of 97172 control chromosomes (27 homozygotes) of all ethnicities, but was predominantly observed in the East Asian subpopulation at a frequency of 0.091978 (649/7056 [25 homozygotes]). This frequency is about 26 times the estimated maximal expected allele frequency of a pathogenic NEB variant (0.0035355), providing strong evidence that this is likely a benign polymorphism found primarily in the populations of East Asian origin. In addition, multiple clinical diagnostic laboratories/reputable databases have classified this variant as likely benign (2x in ClinVar) or benign (3x in ClinVar). Taken together, this variant is classified as benign.

GeneDx
Classification: Benign. Last evaluated: 2016-05-18. Review status: criteria provided, single submitter. Criteria: GeneDx Variant Classification (06012015). Collection method: clinical testing. Allele origin: germline. Affected: yes.
Comment: This variant is considered likely benign or benign based on one or more of the following criteria: it is a conservative change, it occurs at a poorly conserved position in the protein, it is predicted to be benign by multiple in silico algorithms, and/or has population frequency not consistent with disease.

Eurofins Ntd Llc (ga)
Classification: Benign. Last evaluated: 2015-02-13. Review status: criteria provided, single submitter. Criteria: EGL Classification Definitions 2015. Collection method: clinical testing. Allele origin: germline. Observed: 1 variant allele, 1 heterozygote.

Breakthrough Genomics
Classification: Benign. Review status: criteria provided, single submitter. Criteria: ACMG Guidelines, 2015. Collection method: not provided. Allele origin: germline. Inheritance: Autosomal recessive inheritance. Affected: yes.

PreventionGenetics, part of Exact Sciences
Classification: Benign. Review status: criteria provided, single submitter. Criteria: ACMG Guidelines, 2015. Collection method: clinical testing. Allele origin: germline.

Natera, Inc.
Classification: Benign for Nemaline myopathy type 2. Last evaluated: 2020-09-16. Review status: no assertion criteria provided. Collection method: clinical testing. Allele origin: germline. Not counted in ClinVar's aggregate classification.

Dr. Peter K. Rogan Lab, Western University
No classification provided (evidence only). Condition: Malignant tumor of esophagus. Review status: no classification provided. Collection method: in vitro. Allele origin: not applicable. Functional consequence: retained intron. Not counted in ClinVar's aggregate classification.

Genetic Services Laboratory, University of Chicago
Classification: Likely benign for AllHighlyPenetrant. Review status: no assertion criteria provided. Collection method: clinical testing. Allele origin: germline. Inheritance: Autosomal recessive inheritance. Not counted in ClinVar's aggregate classification.
Comment: Likely benign based on allele frequency in 1000 Genomes Project or ESP global frequency and its presence in a patient with a rare or unrelated disease phenotype. NOT Sanger confirmed.

Literature cited by the submitters: PubMed 24753607 (cited by Women's Health and Genetics/Laboratory Corporation of America, LabCorp).

NM_001164508.2(NEB):c.8189A>G (p.Asp2730Gly)

Gene: NEB (nebulin; minus strand). Cytogenetic location: 2q23.3.
Variant type: single nucleotide variant.
Coding change: c.8189A>G on transcript NM_001164508.2 (MANE Select); coding-DNA position 8189, A replaced by G.
Protein change: p.Asp2730Gly; replaces aspartic acid 2730 with glycine.
Molecular consequence: missense variant.
Genome position (GRCh38, 1-based): chr2:151,642,841, T>C on the plus strand (A>G on the coding strand, the complement: NEB is on the minus strand). VCF-style: chr2-151642841-T-C. GRCh37 (hg19) VCF-style: chr2-152499355-T-C.
Other names: p.Asp2730Gly; c.8189A>G, p.Asp2730Gly (NM_001164507.2, NM_001271208.2, NM_004543.5); short protein forms D2730G.
Identifiers: ClinVar variation 129757 (VCV000129757.31), dbSNP rs76767949, ClinGen allele CA154031.